The following is an entry in ClinVar:

NM_001144952.2(SDK2):c.2747A>G (p.Gln916Arg)

Gene: SDK2 (sidekick cell adhesion molecule 2; minus strand). Cytogenetic location: 17q25.1.
Variant type: single nucleotide variant.
Coding change: c.2747A>G on transcript NM_001144952.2 (MANE Select); coding-DNA position 2747, A replaced by G.
Protein change: p.Gln916Arg; replaces glutamine 916 with arginine.
Molecular consequence: missense variant.
Genome position (GRCh38, 1-based): chr17:73,401,686, T>C on the plus strand (A>G on the coding strand, the complement: SDK2 is on the minus strand). VCF-style: chr17-73401686-T-C. GRCh37 (hg19) VCF-style: chr17-71397825-T-C.
Other names: short protein forms Q916R.
Identifiers: ClinVar variation 3048854 (VCV003048854.2), dbSNP rs138152327, ClinGen allele CA8743364.

ClinVar aggregate classification (germline): Likely benign (0 of 4 stars; one submission).

Conditions:
SDK2-related disorder. Also called: SDK2-related condition.

Allele frequency attached by ClinVar (database versions not stated): gnomAD exomes 0.00007; ExAC 0.00030; ESP Exome Variant Server 0.00069; gnomAD 0.00094; TOPMed 0.00105; 1000 Genomes Project 30x 0.00109; 1000 Genomes Project 0.00120.
gnomAD v4.1: 253 of 1,595,306 alleles (0.016%); highest among the groups gnomAD compares: African/African-American, 0.27%; no homozygotes.

Submission:

PreventionGenetics, part of Exact Sciences
Classification: Likely benign for SDK2-related condition. Last evaluated: 2022-06-12. Review status: no assertion criteria provided. Collection method: clinical testing. Allele origin: germline.
Comment: This variant is classified as likely benign based on ACMG/AMP sequence variant interpretation guidelines (Richards et al. 2015 PMID: 25741868, with internal and published modifications).